The following is an entry in ClinVar:

ClinVar aggregate classification (germline): Uncertain significance (1 of 4 stars; one submission).

Allele frequency attached by ClinVar (database versions not stated): gnomAD exomes below 0.00001.
gnomAD v4.1: 3 of 1,612,570 alleles (0.00019%); highest among the groups gnomAD compares: Non-Finnish European, 0.00025%; no homozygotes.

Submission:

Ambry Genetics
Classification: Uncertain significance. Last evaluated: 2023-08-01. Review status: criteria provided, single submitter. Criteria: Ambry Variant Classification Scheme 2023. Collection method: clinical testing. Allele origin: germline.
Comment: The p.E505* variant (also known as c.1513G>T), located in coding exon 12 of the RECQL gene, results from a G to T substitution at nucleotide position 1513. This changes the amino acid from a glutamic acid to a stop codon within coding exon 12. This alteration is expected to result in loss of function by premature protein truncation or nonsense-mediated mRNA decay. The evidence for this gene-disease relationship is limited; therefore, the clinical significance of this alteration is unclear.

NM_002907.4(RECQL):c.1513G>T (p.Glu505Ter)

Gene: RECQL (RecQ like helicase; minus strand). Cytogenetic location: 12p12.1.
Variant type: single nucleotide variant.
Coding change: c.1513G>T on transcript NM_002907.4 (MANE Select); coding-DNA position 1513, G replaced by T.
Protein change: p.Glu505Ter; replaces glutamic acid 505 with a stop codon.
Molecular consequence: nonsense.
Genome position (GRCh38, 1-based): chr12:21,471,582, C>A on the plus strand (G>T on the coding strand, the complement: RECQL is on the minus strand). VCF-style: chr12-21471582-C-A. GRCh37 (hg19) VCF-style: chr12-21624516-C-A.
Other names: c.1513G>T, p.Glu505Ter (NM_032941.3); short protein forms E505*.
Identifiers: ClinVar variation 1774272 (VCV001774272.3), dbSNP rs1942966490, ClinGen allele CA384116251.